The following is an entry in ClinVar:

NM_006767.4(LZTR1):c.1991C>T (p.Ala664Val)

Gene: LZTR1 (leucine zipper like post translational regulator 1; plus strand). Cytogenetic location: 22q11.21.
Variant type: single nucleotide variant.
Coding change: c.1991C>T on transcript NM_006767.4 (MANE Select); coding-DNA position 1991, C replaced by T.
Protein change: p.Ala664Val; replaces alanine 664 with valine.
Molecular consequence: missense variant.
Genome position (GRCh38, 1-based): chr22:20,995,794, C>T. VCF-style: chr22-20995794-C-T. GRCh37 (hg19) VCF-style: chr22-21350083-C-T.
Other names: short protein forms A664V.
Identifiers: ClinVar variation 1023515 (VCV001023515.14), dbSNP rs776112712, ClinGen allele CA10119192.

ClinVar aggregate classification (germline): Uncertain significance. Review status: criteria provided, multiple submitters, no conflicts (2 of 4 stars). 3 submissions from 3 submitters: Uncertain significance (3). Last evaluated 2025-12-08.

Conditions:
Cardiovascular phenotype. Identifiers: MedGen CN230736.
Hereditary cancer-predisposing syndrome. Also called: Hereditary Cancer Syndrome; Tumor predisposition; Neoplastic Syndromes, Hereditary; Hereditary neoplastic syndrome. Identifiers: Orphanet 140162, MedGen C0027672, MeSH D009386, MONDO:0015356.

Allele frequency attached by ClinVar (database versions not stated): gnomAD 0.00002; ExAC 0.00003; gnomAD exomes 0.00003 and 0.00004; TOPMed 0.00003.
gnomAD v4.1: 39 of 1,613,334 alleles (0.0024%); highest among the groups gnomAD compares: African/African-American, 0.0094%; 1 homozygote.

Submissions (3):

Labcorp Genetics (formerly Invitae), Labcorp
Classification: Uncertain significance. Last evaluated: 2025-12-08. Review status: criteria provided, single submitter. Criteria: Invitae Variant Classification Sherloc (09022015). Collection method: clinical testing. Allele origin: germline.
Comment: This sequence change replaces alanine, which is neutral and non-polar, with valine, which is neutral and non-polar, at codon 664 of the LZTR1 protein (p.Ala664Val). This variant is present in population databases (rs776112712, gnomAD 0.02%). This variant has not been reported in the literature in individuals affected with LZTR1-related conditions. ClinVar contains an entry for this variant (Variation ID: 1023515). Invitae Evidence Modeling of protein sequence and biophysical properties (such as structural, functional, and spatial information, amino acid conservation, physicochemical variation, residue mobility, and thermodynamic stability) indicates that this missense variant is not expected to disrupt LZTR1 protein function with a negative predictive value of 80%. In summary, the available evidence is currently insufficient to determine the role of this variant in disease. Therefore, it has been classified as a Variant of Uncertain Significance.

Ambry Genetics
Classification: Uncertain significance for Cardiovascular phenotype; Hereditary cancer-predisposing syndrome. Last evaluated: 2025-02-18. Review status: criteria provided, single submitter. Criteria: Ambry Variant Classification Scheme 2023. Collection method: clinical testing. Allele origin: germline.

GeneDx
Classification: Uncertain significance. Last evaluated: 2024-07-01. Review status: criteria provided, single submitter. Criteria: GeneDx Variant Classification Process June 2021. Collection method: clinical testing. Allele origin: germline.
Comment: In silico analysis indicates that this missense variant does not alter protein structure/function; Has not been previously published as pathogenic or benign to our knowledge; This variant is associated with the following publications: (PMID: 32579932)